The following is an entry in ClinVar:

NM_001009944.3(PKD1):c.7555C>T (p.Gln2519Ter)

Gene: PKD1 (polycystin 1, transient receptor potential channel interacting; minus strand). Cytogenetic location: 16p13.3.
Variant type: single nucleotide variant.
Coding change: c.7555C>T on transcript NM_001009944.3 (MANE Select); coding-DNA position 7555, C replaced by T.
Protein change: p.Gln2519Ter; replaces glutamine 2519 with a stop codon.
Molecular consequence: nonsense.
Genome position (GRCh38, 1-based): chr16:2,106,239, G>A on the plus strand (C>T on the coding strand, the complement: PKD1 is on the minus strand). VCF-style: chr16-2106239-G-A. GRCh37 (hg19) VCF-style: chr16-2156240-G-A.
Other names: c.7555C>T, p.Gln2519Ter (NM_000296.4); short protein forms Q2519*.
Identifiers: ClinVar variation 1284930 (VCV001284930.12), dbSNP rs2151772321, ClinGen allele CA394368877.

ClinVar aggregate classification (germline): Pathogenic. Review status: criteria provided, multiple submitters, no conflicts (2 of 4 stars). 8 submissions from 8 submitters: Pathogenic (6). 2 of the submissions do not count toward it. Last evaluated 2026-05-05.

Conditions:
PKD1-related disorder. Also called: PKD1-related condition.
Polycystic kidney disease, adult type (PKD1). Also called: Polycystic Kidney Disease 1, Autosomal Dominant; Polycystic kidney disease 1; Polycystic kidney disease 1, severe; POLYCYSTIC KIDNEY DISEASE 1 WITH OR WITHOUT POLYCYSTIC LIVER DISEASE; POLYCYSTIC KIDNEY DISEASE, ADULT, TYPE I; Polycystic Kidney, Autosomal Dominant. Identifiers: MedGen C3149841, MONDO:0008263, OMIM 173900.

Submissions (8):

Victorian Clinical Genetics Services, Murdoch Childrens Research Institute
Classification: Pathogenic for Polycystic kidney disease, adult type. Last evaluated: 2026-05-05. Review status: criteria provided, single submitter. Criteria: ACMG Guidelines, 2015. Collection method: clinical testing. Allele origin: germline. Affected: yes.
Comment: This variant is classified as Pathogenic. Evidence in support of pathogenic classification: Variant is predicted to cause nonsense-mediated decay (NMD) and loss of protein (premature termination codon is located at least 54 nucleotides upstream of the final exon-exon junction); Variant is absent from gnomAD (v2, v3 and v4); This variant has strong previous evidence of pathogenicity in unrelated individuals. This variant has been classified as pathogenic by clinical laboratories in ClinVar; Other NMD-predicted variant(s) comparable to the one identified in this case have very strong previous evidence for pathogenicity (DECIPHER). Additional information: This variant is heterozygous; This gene is associated with autosomal dominant disease. Polycystic kidney disease 1 (MIM#173900) is predominantly caused by monoallelic variants, with rare reports of biallelic variants causing disease (OMIM); Loss of function is a known mechanism of disease in this gene and is associated with polycystic kidney disease 1 (MIM#173900); Inheritance information for this variant is not currently available in this individual.

GeneDx
Classification: Pathogenic. Last evaluated: 2025-09-18. Review status: criteria provided, single submitter. Criteria: GeneDx Variant Classification Process June 2021. Collection method: clinical testing. Allele origin: germline. Affected: yes.
Comment: Nonsense variant predicted to result in protein truncation or nonsense mediated decay in a gene for which loss-of-function is a known mechanism of disease; Not observed at significant frequency in large population cohorts (gnomAD); This variant is associated with the following publications: (PMID: 36082560, 37509056, 22508176, 31740684)

Fulgent Genetics
Classification: Pathogenic for Polycystic kidney disease, adult type. Last evaluated: 2024-03-08. Review status: criteria provided, single submitter. Criteria: ACMG Guidelines, 2015. Collection method: clinical testing. Allele origin: germline.

Blueprint Genetics
Classification: Pathogenic for PKD1-related disorders. Last evaluated: 2022-08-10. Review status: criteria provided, single submitter. Criteria: ACMG Guidelines, 2015. Collection method: clinical testing. Allele origin: germline. Affected: yes. Observed: 1 variant allele.

Department of Pathology and Laboratory Medicine, Sinai Health System
Classification: Pathogenic for Polycystic kidney disease, adult type. Last evaluated: 2022-03-22. Review status: criteria provided, single submitter. Criteria: ACMG Guidelines, 2015. Collection method: clinical testing. Allele origin: germline. Affected: yes.

Juno Genomics, Hangzhou Juno Genomics, Inc
Classification: Pathogenic for Polycystic kidney disease, adult type. Review status: criteria provided, single submitter. Criteria: ACMG Guidelines, 2015. Collection method: clinical testing. Allele origin: germline. Affected: yes.
Comment: Absent from controls (or at extremely low frequency if recessive) in Genome Aggregation Database.;Null variant in a gene where loss of function (LOF) is a known mechanism of disease.;The prevalence of the variant in affected individuals is significantly increased compared to the prevalence in controls.;Patient's phenotype or family history is highly specific for a disease with a single genetic etiology.

Genome Diagnostics Laboratory, University Medical Center Utrecht
Classification: Pathogenic. Review status: no assertion criteria provided. Collection method: clinical testing. Allele origin: germline. Affected: yes. Study: VKGL Data-share Consensus. Not counted in ClinVar's aggregate classification.

Joint Genome Diagnostic Labs from Nijmegen and Maastricht, Radboudumc and MUMC+
Classification: Pathogenic. Review status: no assertion criteria provided. Collection method: clinical testing. Allele origin: germline. Affected: yes. Study: VKGL Data-share Consensus. Not counted in ClinVar's aggregate classification.

Literature cited by the submitters: PubMed 22508176 (cited by Department of Pathology and Laboratory Medicine, Sinai Health System).